The following is an entry in ClinVar:

ClinVar aggregate classification (germline): Likely benign (1 of 4 stars; one submission).

gnomAD v4.1: 6 of 1,610,496 alleles (0.00037%); highest among the groups gnomAD compares: Non-Finnish European, 0.00051%; no homozygotes.

Submission:

CeGaT Center for Human Genetics Tuebingen
Classification: Likely benign. Last evaluated: 2025-03-01. Review status: criteria provided, single submitter. Criteria: CeGaT Center For Human Genetics Tuebingen Variant Classification Criteria Version 2. Collection method: clinical testing. Allele origin: germline. Affected: yes. Observed: 1 variant allele.
Comment: IPO8: BP4, BP7

NM_006390.4(IPO8):c.1977A>C (p.Ala659=)

Gene: IPO8 (importin 8; minus strand). Cytogenetic location: 12p11.21.
Variant type: single nucleotide variant.
Coding change: c.1977A>C on transcript NM_006390.4 (MANE Select); coding-DNA position 1977, A replaced by C.
Protein change: p.Ala659=; no amino-acid change (alanine 659 retained).
Molecular consequence: synonymous variant.
Genome position (GRCh38, 1-based): chr12:30,653,064, T>G on the plus strand (A>C on the coding strand, the complement: IPO8 is on the minus strand). VCF-style: chr12-30653064-T-G. GRCh37 (hg19) VCF-style: chr12-30805998-T-G.
Other names: c.1362A>C, p.Ala454= (NM_001190995.2).
Identifiers: ClinVar variation 3778374 (VCV003778374.7).